The following is an entry in ClinVar:

ClinVar aggregate classification (germline): Uncertain significance (1 of 4 stars; one submission).

Conditions:
Epilepsy, idiopathic generalized, susceptibility to, 13. Also called: EPILEPSY, JUVENILE MYOCLONIC, SUSCEPTIBILITY TO, 5. Identifiers: Orphanet 307, Orphanet 64280, MedGen C4013473, MONDO:0012627, OMIM 611136.
Epilepsy, childhood absence 4 (ECA4). Also called: EPILEPSY, CHILDHOOD ABSENCE, SUSCEPTIBILITY TO, 4. Identifiers: Orphanet 307, MedGen C1970160.
Idiopathic generalized epilepsy. Also called: EIG; Generalised epilepsy. Identifiers: MedGen C0270850, MONDO:0005579, OMIM 600669.

Submission:

Labcorp Genetics (formerly Invitae), Labcorp
Classification: Uncertain significance for Epilepsy, childhood absence 4; Epilepsy, idiopathic generalized, susceptibility to, 13; Idiopathic generalized epilepsy. Last evaluated: 2024-05-17. Review status: criteria provided, single submitter. Criteria: Invitae Variant Classification Sherloc (09022015). Collection method: clinical testing. Allele origin: germline.
Comment: This sequence change replaces serine, which is neutral and polar, with tyrosine, which is neutral and polar, at codon 8 of the GABRA1 protein (p.Ser8Tyr). This variant is not present in population databases (gnomAD no frequency). This variant has not been reported in the literature in individuals affected with GABRA1-related conditions. Advanced modeling of protein sequence and biophysical properties (such as structural, functional, and spatial information, amino acid conservation, physicochemical variation, residue mobility, and thermodynamic stability) performed at Invitae indicates that this missense variant is not expected to disrupt GABRA1 protein function with a negative predictive value of 95%. In summary, the available evidence is currently insufficient to determine the role of this variant in disease. Therefore, it has been classified as a Variant of Uncertain Significance.

NM_001127644.2(GABRA1):c.23C>A (p.Ser8Tyr)

Gene: GABRA1 (gamma-aminobutyric acid type A receptor subunit alpha1; plus strand). Cytogenetic location: 5q34.
Variant type: single nucleotide variant.
Coding change: c.23C>A on transcript NM_001127644.2 (MANE Select); coding-DNA position 23, C replaced by A.
Protein change: p.Ser8Tyr; replaces serine 8 with tyrosine.
Molecular consequence: missense variant.
Genome position (GRCh38, 1-based): chr5:161,850,833, C>A. VCF-style: chr5-161850833-C-A. GRCh37 (hg19) VCF-style: chr5-161277839-C-A.
Other names: c.23C>A, p.Ser8Tyr (NM_000806.5, NM_001127643.2, NM_001127645.2 and 1 more transcripts); short protein forms S8Y.
Identifiers: ClinVar variation 3753863 (VCV003753863.2).